The following is an entry in ClinVar:

ClinVar aggregate classification (germline): Uncertain significance (1 of 4 stars; one submission).

Conditions:
Primary ciliary dyskinesia. Also called: Ciliary dyskinesia. Identifiers: Orphanet 244, MedGen C0008780, MONDO:0016575, HP:0012265.

Allele frequency attached by ClinVar (database versions not stated): ExAC 0.00001; gnomAD 0.00001; gnomAD exomes 0.00001 and 0.00003; TOPMed 0.00002; ESP Exome Variant Server 0.00008.
gnomAD v4.1: 46 of 1,610,936 alleles (0.0029%); highest among the groups gnomAD compares: Non-Finnish European, 0.0031%; no homozygotes.

Submission:

Labcorp Genetics (formerly Invitae), Labcorp
Classification: Uncertain significance for Primary ciliary dyskinesia. Last evaluated: 2022-07-19. Review status: criteria provided, single submitter. Criteria: Invitae Variant Classification Sherloc (09022015). Collection method: clinical testing. Allele origin: germline.
Comment: Algorithms developed to predict the effect of missense changes on protein structure and function are either unavailable or do not agree on the potential impact of this missense change (SIFT: "Deleterious"; PolyPhen-2: "Not Available"; Align-GVGD: "Class C35"). In summary, the available evidence is currently insufficient to determine the role of this variant in disease. Therefore, it has been classified as a Variant of Uncertain Significance. ClinVar contains an entry for this variant (Variation ID: 1430331). This variant has not been reported in the literature in individuals affected with DNAH8-related conditions. This variant is present in population databases (rs370474987, gnomAD 0.004%). This sequence change replaces arginine, which is basic and polar, with glutamine, which is neutral and polar, at codon 3250 of the DNAH8 protein (p.Arg3250Gln).

NM_001206927.2(DNAH8):c.9749G>A (p.Arg3250Gln)

Genes: DNAH8 (dynein axonemal heavy chain 8; plus strand), DNAH8-AS1 (DNAH8 antisense RNA 1; minus strand). Cytogenetic location: 6p21.2.
Variant type: single nucleotide variant.
Coding change: c.9749G>A on transcript NM_001206927.2 (MANE Select); coding-DNA position 9749, G replaced by A.
Protein change: p.Arg3250Gln; replaces arginine 3250 with glutamine.
Molecular consequence: missense variant.
Genome position (GRCh38, 1-based): chr6:38,911,476, G>A. VCF-style: chr6-38911476-G-A. GRCh37 (hg19) VCF-style: chr6-38879252-G-A.
Other names: c.9098G>A, p.Arg3033Gln (NM_001371.4); short protein forms R3250Q, R3033Q.
Identifiers: ClinVar variation 1430331 (VCV001430331.8), dbSNP rs370474987, ClinGen allele CA3790564.